The following is an entry in ClinVar:

ClinVar aggregate classification (germline): Uncertain significance (1 of 4 stars; one submission).

Submission:

Labcorp Genetics (formerly Invitae), Labcorp
Classification: Uncertain significance. Last evaluated: 2022-04-11. Review status: criteria provided, single submitter. Criteria: Invitae Variant Classification Sherloc (09022015). Collection method: clinical testing. Allele origin: germline.
Comment: In summary, the available evidence is currently insufficient to determine the role of this variant in disease. Therefore, it has been classified as a Variant of Uncertain Significance. Advanced modeling of protein sequence and biophysical properties (such as structural, functional, and spatial information, amino acid conservation, physicochemical variation, residue mobility, and thermodynamic stability) performed at Invitae indicates that this missense variant is not expected to disrupt RS1 protein function. This variant has not been reported in the literature in individuals affected with RS1-related conditions. This variant is not present in population databases (gnomAD no frequency). This sequence change replaces tyrosine, which is neutral and polar, with histidine, which is basic and polar, at codon 16 of the RS1 protein (p.Tyr16His).

NM_000330.4(RS1):c.46T>C (p.Tyr16His)

Gene: RS1 (retinoschisin 1; minus strand). Cytogenetic location: Xp22.13.
Variant type: single nucleotide variant.
Coding change: c.46T>C on transcript NM_000330.4 (MANE Select); coding-DNA position 46, T replaced by C.
Protein change: p.Tyr16His; replaces tyrosine 16 with histidine.
Molecular consequence: missense variant.
Genome position (GRCh38, 1-based): chrX:18,672,023, A>G on the plus strand (T>C on the coding strand, the complement: RS1 is on the minus strand). VCF-style: chrX-18672023-A-G. GRCh37 (hg19) VCF-style: chrX-18690143-A-G.
Other names: short protein forms Y16H.
Identifiers: ClinVar variation 2103418 (VCV002103418.4), dbSNP rs2518947161, ClinGen allele CA412378982.